The following is an entry in ClinVar:

ClinVar aggregate classification (germline): Uncertain significance. Review status: criteria provided, multiple submitters, no conflicts (2 of 4 stars). 3 submissions from 3 submitters: Uncertain significance (3). Last evaluated 2026-01-09.

Conditions:
Familial isolated arrhythmogenic right ventricular dysplasia. Identifiers: Orphanet 217656, MedGen C4274968, MONDO:0016342.
Arrhythmogenic right ventricular dysplasia 11. Also called: ARRHYTHMOGENIC RIGHT VENTRICULAR DYSPLASIA, FAMILIAL, 11; Arrhythmogenic right ventricular dysplasia 11 with mild palmoplantar keratoderma and woolly hair; Arrhythmogenic Right Ventricular Dysplasia/Cardiomyopathy11. Identifiers: MedGen C1864850, MONDO:0012506, OMIM 610476.

Allele frequency attached by ClinVar (database versions not stated): gnomAD exomes 0.00001 and below 0.00001; ExAC 0.00001.
gnomAD v4.1: 3 of 1,614,170 alleles (0.00019%); highest among the groups gnomAD compares: South Asian, 0.0011%; no homozygotes.

Submissions (3):

Labcorp Genetics (formerly Invitae), Labcorp
Classification: Uncertain significance for Arrhythmogenic right ventricular dysplasia 11. Last evaluated: 2026-01-09. Review status: criteria provided, single submitter. Criteria: Invitae Variant Classification Sherloc (09022015). Collection method: clinical testing. Allele origin: germline.
Comment: This sequence change replaces tyrosine, which is neutral and polar, with histidine, which is basic and polar, at codon 282 of the DSC2 protein (p.Tyr282His). This variant is present in population databases (rs397517405, gnomAD 0.003%). This variant has not been reported in the literature in individuals affected with DSC2-related conditions. ClinVar contains an entry for this variant (Variation ID: 46198). Invitae Evidence Modeling of protein sequence and biophysical properties (such as structural, functional, and spatial information, amino acid conservation, physicochemical variation, residue mobility, and thermodynamic stability) indicates that this missense variant is expected to disrupt DSC2 protein function with a positive predictive value of 80%. In summary, the available evidence is currently insufficient to determine the role of this variant in disease. Therefore, it has been classified as a Variant of Uncertain Significance.

All of Us Research Program, National Institutes of Health
Classification: Uncertain significance for Familial isolated arrhythmogenic right ventricular dysplasia. Last evaluated: 2023-07-19. Review status: criteria provided, single submitter. Criteria: ACMG Guidelines, 2015. Collection method: clinical testing. Allele origin: germline. Inheritance: Autosomal dominant inheritance. Observed: 1 variant allele, 1 heterozygote.
Comment: This missense variant replaces tyrosine with histidine at codon 282 of the DSC2 protein. Computational prediction is inconclusive regarding the impact of this variant on protein structure and function (internally defined REVEL score threshold 0.5 < inconclusive < 0.7, PMID: 27666373). To our knowledge, functional studies have not been reported for this variant. This variant has not been reported in individuals affected with DSC2-related disorders in the literature. This variant has been identified in 1/251378 chromosomes in the general population by the Genome Aggregation Database (gnomAD). The available evidence is insufficient to determine the role of this variant in disease conclusively. Therefore, this variant is classified as a Variant of Uncertain Significance.

This study involves interpretation of variants in research participants for the purpose of population health screening. Participant phenotype was not available at the time of variant classification. Additional details can be found in publication PMID: 35346344, PMCID: PMC8962531

Laboratory for Molecular Medicine, Mass General Brigham Personalized Medicine
Classification: Uncertain significance. Last evaluated: 2012-07-20. Review status: criteria provided, single submitter. Criteria: LMM Criteria. Collection method: clinical testing. Allele origin: germline. Observed: 5 variant alleles.
Comment: The Tyr282His variant in DSC2 has not been reported in the literature nor previo usly identified in large and broad European American and African American popula tions by NHLBI Exome Sequencing Project. This low frequency is consistent with a disease causing role but insufficient to est ablish this with confidence. Computational analyses (biochemical amino acid prop erties, conservation, AlignGVGD, PolyPhen2, and SIFT) suggest that this variant may impact the protein, though this information is not predictive enough to dete rmine pathogenicity. However, this variant is present in 2 reportedly unaffecte d relatives and has not been observed in isolation in an affected individual, ra ising the possibility that only modifies disease or may not be disease causing. Additional information is needed to fully assess the clinical significance of th e Tyr282His variant.

NM_024422.6(DSC2):c.844T>C (p.Tyr282His)

Gene: DSC2 (desmocollin 2; minus strand). Cytogenetic location: 18q12.1.
Variant type: single nucleotide variant.
Coding change: c.844T>C on transcript NM_024422.6 (MANE Select); coding-DNA position 844, T replaced by C.
Protein change: p.Tyr282His; replaces tyrosine 282 with histidine.
Molecular consequence: missense variant.
Genome position (GRCh38, 1-based): chr18:31,086,674, A>G on the plus strand (T>C on the coding strand, the complement: DSC2 is on the minus strand). VCF-style: chr18-31086674-A-G. GRCh37 (hg19) VCF-style: chr18-28666637-A-G.
Other names: c.844T>C, p.Tyr282His (NM_004949.5); short protein forms Y282H.
Identifiers: ClinVar variation 46198 (VCV000046198.8), dbSNP rs397517405, ClinGen allele CA022942.